The following is an entry in ClinVar:

NM_004369.4(COL6A3):c.4720G>A (p.Gly1574Arg)

Gene: COL6A3 (collagen type VI alpha 3 chain; minus strand). Cytogenetic location: 2q37.3.
Variant type: single nucleotide variant.
Coding change: c.4720G>A on transcript NM_004369.4 (MANE Select); coding-DNA position 4720, G replaced by A.
Protein change: p.Gly1574Arg; replaces glycine 1574 with arginine.
Molecular consequence: missense variant.
Genome position (GRCh38, 1-based): chr2:237,368,743, C>T on the plus strand (G>A on the coding strand, the complement: COL6A3 is on the minus strand). VCF-style: chr2-237368743-C-T. GRCh37 (hg19) VCF-style: chr2-238277386-C-T.
Other names: c.2899G>A, p.Gly967Arg (NM_057166.5); c.4102G>A, p.Gly1368Arg (NM_057167.4); short protein forms G1368R, G1574R, G967R.
Identifiers: ClinVar variation 1506947 (VCV001506947.10), dbSNP rs1340303980, ClinGen allele CA351192352.

ClinVar aggregate classification (germline): Uncertain significance (1 of 4 stars; one submission).

Conditions:
Bethlem myopathy 1A. Also called: Bethlem myopathy 1; Bethlem Muscular Dystrophy; MYOPATHY, BENIGN CONGENITAL, WITH CONTRACTURES. Identifiers: Orphanet 610, MedGen CN029274, MONDO:0024530, OMIM 158810.

Allele frequency attached by ClinVar (database versions not stated): gnomAD exomes below 0.00001.
gnomAD v4.1: 1 of 1,614,194 alleles (0.000062%); highest among the groups gnomAD compares: Non-Finnish European, 0.000085%; no homozygotes.

Submission:

Labcorp Genetics (formerly Invitae), Labcorp
Classification: Uncertain significance for Bethlem myopathy 1A. Last evaluated: 2021-06-01. Review status: criteria provided, single submitter. Criteria: Invitae Variant Classification Sherloc (09022015). Collection method: clinical testing. Allele origin: germline.
Comment: In summary, the available evidence is currently insufficient to determine the role of this variant in disease. Therefore, it has been classified as a Variant of Uncertain Significance. Algorithms developed to predict the effect of sequence changes on RNA splicing suggest that this variant may create or strengthen a splice site, but this prediction has not been confirmed by published transcriptional studies. Advanced modeling of protein sequence and biophysical properties (such as structural, functional, and spatial information, amino acid conservation, physicochemical variation, residue mobility, and thermodynamic stability) performed at Invitae indicates that this missense variant is expected to disrupt COL6A3 protein function. This variant has not been reported in the literature in individuals with COL6A3-related conditions. This variant is not present in population databases (ExAC no frequency). This sequence change replaces glycine with arginine at codon 1574 of the COL6A3 protein (p.Gly1574Arg). The glycine residue is highly conserved and there is a moderate physicochemical difference between glycine and arginine.